The following is an entry in ClinVar:

ClinVar aggregate classification (germline): Uncertain significance (0 of 4 stars; one submission).

Conditions:
PLCG1-related disorder. Also called: PLCG1-related condition.

Submission:

PreventionGenetics, part of Exact Sciences
Classification: Uncertain significance for PLCG1-related condition. Last evaluated: 2024-05-10. Review status: no assertion criteria provided. Collection method: clinical testing. Allele origin: germline.
Comment: The PLCG1 c.1415A>G variant is predicted to result in the amino acid substitution p.Tyr472Cys. To our knowledge, this variant has not been reported in the literature or in a large population database, indicating this variant is rare. At this time, the clinical significance of this variant is uncertain due to the absence of conclusive functional and genetic evidence.

NM_002660.3(PLCG1):c.1415A>G (p.Tyr472Cys)

Gene: PLCG1 (phospholipase C gamma 1; plus strand). Cytogenetic location: 20q12.
Variant type: single nucleotide variant.
Coding change: c.1415A>G on transcript NM_002660.3 (MANE Select); coding-DNA position 1415, A replaced by G.
Protein change: p.Tyr472Cys; replaces tyrosine 472 with cysteine.
Molecular consequence: missense variant.
Genome position (GRCh38, 1-based): chr20:41,165,273, A>G. VCF-style: chr20-41165273-A-G. GRCh37 (hg19) VCF-style: chr20-39793913-A-G.
Other names: c.1415A>G, p.Tyr472Cys (NM_182811.2); short protein forms Y472C.
Identifiers: ClinVar variation 3346273 (VCV003346273.1).